The following is an entry in ClinVar:

ClinVar aggregate classification (germline): Pathogenic (1 of 4 stars; one submission).

Submission:

Labcorp Genetics (formerly Invitae), Labcorp
Classification: Pathogenic. Last evaluated: 2024-08-31. Review status: criteria provided, single submitter. Criteria: Invitae Variant Classification Sherloc (09022015). Collection method: clinical testing. Allele origin: germline.
Comment: This sequence change creates a premature translational stop signal (p.Asn278Lysfs*6) in the CENPJ gene. It is expected to result in an absent or disrupted protein product. Loss-of-function variants in CENPJ are known to be pathogenic (PMID: 15793586, 16900296, 20522431). This variant is present in population databases (rs764559795, gnomAD 0.006%). This variant has not been reported in the literature in individuals affected with CENPJ-related conditions. For these reasons, this variant has been classified as Pathogenic.

Literature cited by the submitters: PubMed 15793586; PubMed 16900296; PubMed 20522431.

NM_018451.5(CPAP):c.834_838del (p.Asn278fs)

Gene: CPAP (centrosome assembly and centriole elongation protein; minus strand). Cytogenetic location: 13q12.13.
Variant type: Deletion.
Coding change: c.834_838del on transcript NM_018451.5 (MANE Select); coding-DNA positions 834 to 838, 5 bases deleted (TTTAA; older notation c.834_838delTTTAA).
Protein change: p.Asn278fs; shifts the reading frame from asparagine 278.
Molecular consequence: frameshift variant. On other transcripts: non-coding transcript variant (2).
Genome position (GRCh38, 1-based): chr13:24,909,817-24,909,821, TTAAA deleted on the plus strand (TTTAA on the coding strand, the reverse complement: CPAP is on the minus strand); deleting any 5 consecutive bases within chr13:24,909,817-24,909,824 gives the same sequence; the c. name uses the placement nearest the transcript's 3' end. VCF-style (leftmost placement, unchanged base first): chr13-24909816-TTTAAA-T. GRCh37 (hg19) VCF-style: chr13-25483954-TTTAAA-T.
Other names: short protein forms N278fs.
Identifiers: ClinVar variation 3617769 (VCV003617769.2).